The following is an entry in ClinVar:

ClinVar aggregate classification (germline): Pathogenic (1 of 4 stars; one submission).

Submission:

Labcorp Genetics (formerly Invitae), Labcorp
Classification: Pathogenic. Last evaluated: 2021-05-20. Review status: criteria provided, single submitter. Criteria: Invitae Variant Classification Sherloc (09022015). Collection method: clinical testing. Allele origin: germline.
Comment: This sequence change creates a premature translational stop signal (p.Thr105Profs*6) in the GNAS gene. It is expected to result in an absent or disrupted protein product. Loss-of-function variants in GNAS are known to be pathogenic (PMID: 11784876, 23281139, 23796510, 25802881). This variant is not present in population databases (ExAC no frequency). This variant has not been reported in the literature in individuals with GNAS-related conditions. Algorithms developed to predict the effect of sequence changes on RNA splicing suggest that this variant may disrupt the consensus splice site, but this prediction has not been confirmed by published transcriptional studies. For these reasons, this variant has been classified as Pathogenic.

Literature cited by the submitters: PubMed 11784876; PubMed 23281139; PubMed 23796510; PubMed 25802881.

NM_000516.7(GNAS):c.312delA (p.Thr105fs)

Gene: GNAS (GNAS complex locus; plus strand). Cytogenetic location: 20q13.32.
Variant type: Deletion.
Coding change: c.312delA on transcript NM_000516.7 (MANE Select); coding-DNA position 312, one base deleted (A).
Protein change: p.Thr105fs; shifts the reading frame from threonine 105.
Molecular consequence: frameshift variant. On other transcripts: 3 prime UTR variant (2).
Genome position (GRCh38, 1-based): chr20:58,903,585, A deleted; the last of 2 consecutive A bases (chr20:58,903,584-58,903,585); deleting either gives the same sequence. VCF-style (leftmost placement, unchanged base first): chr20-58903583-GA-G. GRCh37 (hg19) VCF-style: chr20-57478638-GA-G.
Other names: c.315delA, p.Thr106fs (NM_001077488.5); c.267delA, p.Thr90fs (NM_001077489.4); c.*173delA (NM_001077490.3); c.135delA, p.Thr46fs (NM_001309840.2, NM_001309861.2); c.*218delA (NM_016592.5); c.2241delA, p.Thr748fs (NM_080425.4); c.270delA, p.Thr91fs (NM_080426.4); short protein forms T106fs, T105fs, T46fs, T748fs, T90fs, T91fs.
Identifiers: ClinVar variation 1455777 (VCV001455777.6), dbSNP rs2146178942, ClinGen allele CA2573157158.